The following is an entry in ClinVar:

ClinVar aggregate classification (germline): Uncertain significance (1 of 4 stars; one submission).

Submission:

Labcorp Genetics (formerly Invitae), Labcorp
Classification: Uncertain significance. Last evaluated: 2025-06-02. Review status: criteria provided, single submitter. Criteria: Invitae Variant Classification Sherloc (09022015). Collection method: clinical testing. Allele origin: germline.
Comment: This sequence change replaces isoleucine, which is neutral and non-polar, with valine, which is neutral and non-polar, at codon 181 of the CACNA1D protein (p.Ile181Val). This variant is not present in population databases (gnomAD no frequency). This variant has not been reported in the literature in individuals affected with CACNA1D-related conditions. Invitae Evidence Modeling of protein sequence and biophysical properties (such as structural, functional, and spatial information, amino acid conservation, physicochemical variation, residue mobility, and thermodynamic stability) indicates that this missense variant is not expected to disrupt CACNA1D protein function with a negative predictive value of 80%. In summary, the available evidence is currently insufficient to determine the role of this variant in disease. Therefore, it has been classified as a Variant of Uncertain Significance.

NM_001128840.3(CACNA1D):c.541A>G (p.Ile181Val)

Gene: CACNA1D (calcium voltage-gated channel subunit alpha1 D; plus strand). Cytogenetic location: 3p21.1.
Variant type: single nucleotide variant.
Coding change: c.541A>G on transcript NM_001128840.3 (MANE Select); coding-DNA position 541, A replaced by G.
Protein change: p.Ile181Val; replaces isoleucine 181 with valine.
Molecular consequence: missense variant.
Genome position (GRCh38, 1-based): chr3:53,650,836, A>G. VCF-style: chr3-53650836-A-G. GRCh37 (hg19) VCF-style: chr3-53684863-A-G.
Other names: c.541A>G, p.Ile181Val (NM_000720.4, NM_001128839.3); short protein forms I181V.
Identifiers: ClinVar variation 4779894 (VCV004779894.1).